The following is an entry in ClinVar:

ClinVar aggregate classification (germline): Benign. Review status: criteria provided, multiple submitters, no conflicts (2 of 4 stars). 6 submissions from 6 submitters: Benign (5). 1 of the submissions does not count toward it. Last evaluated 2023-07-07.

Conditions:
PALLD-related disorder. Also called: PALLD-related condition.
Pancreatic cancer, susceptibility to, 1. Identifiers: Orphanet 1333, MedGen C1847351, MONDO:0011739, OMIM 606856.

Allele frequency attached by ClinVar (database versions not stated): gnomAD exomes 0.00359 and 0.00962; ExAC 0.01162; gnomAD 0.03658 and 0.03942; TOPMed 0.04182; 1000 Genomes Project 0.04193; ESP Exome Variant Server 0.04444; 1000 Genomes Project 30x 0.04606.
gnomAD v4.1: 11,085 of 1,614,134 alleles (0.69%); highest among the groups gnomAD compares: African/African-American, 12%; 615 homozygotes.

Submissions (6):

KCCC/NGS Laboratory, Kuwait Cancer Control Center
Classification: Benign for Pancreatic cancer, susceptibility to, 1. Last evaluated: 2023-07-07. Review status: criteria provided, single submitter. Criteria: ACMG Guidelines, 2015. Collection method: clinical testing. Allele origin: germline. Affected: yes.

Ambry Genetics
Classification: Benign. Last evaluated: 2020-07-30. Review status: criteria provided, single submitter. Criteria: Ambry Variant Classification Scheme 2023. Collection method: clinical testing. Allele origin: germline.

Illumina Laboratory Services, Illumina
Classification: Benign for Pancreatic cancer, susceptibility to, 1. Last evaluated: 2018-01-12. Review status: criteria provided, single submitter. Criteria: ICSL Variant Classification Criteria 13 December 2019. Collection method: clinical testing. Allele origin: germline.
Comment: This variant was observed in the ICSL laboratory as part of a predisposition screen in an ostensibly healthy population. It had not been previously curated by ICSL or reported in the Human Gene Mutation Database (HGMD: prior to June 1st, 2018), and was therefore a candidate for classification through an automated scoring system. Utilizing variant allele frequency, disease prevalence and penetrance estimates, and inheritance mode, an automated score was calculated to assess if this variant is too frequent to cause the disease. Based on the score and internal cut-off values, a variant classified as benign is not then subjected to further curation. The score for this variant resulted in a classification of benign for this disease.

GeneDx
Classification: Benign. Last evaluated: 2015-03-03. Review status: criteria provided, single submitter. Criteria: GeneDx Variant Classification Process June 2021. Collection method: clinical testing. Allele origin: germline. Affected: yes.

Breakthrough Genomics
Classification: Benign. Review status: criteria provided, single submitter. Criteria: ACMG Guidelines, 2015. Collection method: not provided. Allele origin: germline. Inheritance: Autosomal dominant inheritance. Affected: yes.

PreventionGenetics, part of Exact Sciences
Classification: Benign for PALLD-related condition. Last evaluated: 2019-03-21. Review status: no assertion criteria provided. Collection method: clinical testing. Allele origin: germline. Not counted in ClinVar's aggregate classification.
Comment: This variant is classified as benign based on ACMG/AMP sequence variant interpretation guidelines (Richards et al. 2015 PMID: 25741868, with internal and published modifications).

NM_001166108.2(PALLD):c.1347C>T (p.Asn449=)

Gene: PALLD (palladin, cytoskeletal associated protein; plus strand). Cytogenetic location: 4q32.3.
Variant type: single nucleotide variant.
Coding change: c.1347C>T on transcript NM_001166108.2 (MANE Select); coding-DNA position 1347, C replaced by T.
Protein change: p.Asn449=; no amino-acid change (asparagine 449 retained).
Molecular consequence: synonymous variant.
Genome position (GRCh38, 1-based): chr4:168,690,614, C>T. VCF-style: chr4-168690614-C-T. GRCh37 (hg19) VCF-style: chr4-169611765-C-T.
Other names: c.201C>T, p.Asn67= (NM_001166109.2); c.1347C>T, p.Asn449= (NM_016081.4).
Identifiers: ClinVar variation 348037 (VCV000348037.14), dbSNP rs17054482, ClinGen allele CA3135592.